The following is an entry in ClinVar:

NM_032436.4(CHAMP1):c.911C>T (p.Ala304Val)

Gene: CHAMP1 (chromosome alignment maintaining phosphoprotein 1; plus strand). Cytogenetic location: 13q34.
Variant type: single nucleotide variant.
Coding change: c.911C>T on transcript NM_032436.4 (MANE Select); coding-DNA position 911, C replaced by T.
Protein change: p.Ala304Val; replaces alanine 304 with valine.
Molecular consequence: missense variant.
Genome position (GRCh38, 1-based): chr13:114,324,753, C>T. VCF-style: chr13-114324753-C-T. GRCh37 (hg19) VCF-style: chr13-115090228-C-T.
Other names: c.911C>T, p.Ala304Val (NM_001164144.3, NM_001164145.3); c.911C>T (NM_032436.2); short protein forms A304V.
Identifiers: ClinVar variation 1331675 (VCV001331675.5), dbSNP rs782422313, ClinGen allele CA7070712.

ClinVar aggregate classification (germline): Uncertain significance. Review status: criteria provided, multiple submitters, no conflicts (2 of 4 stars). 2 submissions from 2 submitters: Uncertain significance (2). Last evaluated 2025-08-07.

Conditions:
Inborn genetic diseases. Identifiers: MedGen C0950123, MeSH D030342.

Allele frequency attached by ClinVar (database versions not stated): gnomAD exomes below 0.00001; ExAC 0.00001.
gnomAD v4.1: 6 of 1,613,804 alleles (0.00037%); highest among the groups gnomAD compares: South Asian, 0.0022%; no homozygotes.

Submissions (2):

Ambry Genetics
Classification: Uncertain significance for Inborn genetic diseases. Last evaluated: 2025-08-07. Review status: criteria provided, single submitter. Criteria: Ambry Variant Classification Scheme 2023. Collection method: clinical testing. Allele origin: germline.

Greenwood Genetic Center Diagnostic Laboratories, Greenwood Genetic Center
Classification: Uncertain significance. Last evaluated: 2021-02-01. Review status: criteria provided, single submitter. Criteria: ACMG Guidelines, 2015. Collection method: clinical testing. Allele origin: germline. Affected: yes.
Comment: No ACMG evidence could be applied applied